The following is an entry in ClinVar:

ClinVar aggregate classification (germline): Uncertain significance. Review status: criteria provided, multiple submitters, no conflicts (2 of 4 stars). 2 submissions from 2 submitters: Uncertain significance (2). Last evaluated 2025-07-31.

Conditions:
Brugada syndrome. Also called: Sudden unexplained nocturnal death syndrome; Sudden unexpected nocturnal death syndrome; Sudden Unexplained Death Syndrome; Sudden Unexplained Nocturnal Death Syndrome (SUNDS). Identifiers: Orphanet 130, MedGen C1142166, MONDO:0015263.
Cardiovascular phenotype. Identifiers: MedGen CN230736.

Allele frequency attached by ClinVar (database versions not stated): TOPMed below 0.00001.
gnomAD v4.1: 3 of 1,613,624 alleles (0.00019%); highest among the groups gnomAD compares: Non-Finnish European, 0.00025%; no homozygotes.

Submissions (2):

Labcorp Genetics (formerly Invitae), Labcorp
Classification: Uncertain significance for Brugada syndrome. Last evaluated: 2025-07-31. Review status: criteria provided, single submitter. Criteria: Invitae Variant Classification Sherloc (09022015). Collection method: clinical testing. Allele origin: germline.
Comment: This sequence change falls in intron 3 of the SCN10A gene. It does not directly change the encoded amino acid sequence of the SCN10A protein. It affects a nucleotide within the consensus splice site. This variant is not present in population databases (gnomAD no frequency). This variant has not been reported in the literature in individuals affected with SCN10A-related conditions. ClinVar contains an entry for this variant (Variation ID: 1991552). Variants that disrupt the consensus splice site are a relatively common cause of aberrant splicing (PMID: 17576681, 9536098). Algorithms developed to predict the effect of sequence changes on RNA splicing suggest that this variant may disrupt the consensus splice site. In summary, the available evidence is currently insufficient to determine the role of this variant in disease. Therefore, it has been classified as a Variant of Uncertain Significance.

Ambry Genetics
Classification: Uncertain significance for Cardiovascular phenotype. Last evaluated: 2023-11-16. Review status: criteria provided, single submitter. Criteria: Ambry Variant Classification Scheme 2023. Collection method: clinical testing. Allele origin: germline.
Comment: The c.471-3C>G intronic variant results from a C to G substitution 3 nucleotides upstream from coding exon 4 in the SCN10A gene. This nucleotide position is well conserved in available vertebrate species. In silico splice site analysis predicts that this alteration will weaken the native splice acceptor site. The evidence for this gene-disease relationship is limited; therefore, the clinical significance of this alteration is unclear.

Literature cited by the submitters: PubMed 17576681 (cited by Labcorp Genetics (formerly Invitae), Labcorp); PubMed 9536098 (cited by Labcorp Genetics (formerly Invitae), Labcorp).

NM_006514.4(SCN10A):c.471-3C>G

Gene: SCN10A (sodium voltage-gated channel alpha subunit 10; minus strand). Cytogenetic location: 3p22.2.
Variant type: single nucleotide variant.
Coding change: c.471-3C>G on transcript NM_006514.4 (MANE Select); 3 bases into the intron before coding-DNA position 471, C replaced by G.
Molecular consequence: intron variant.
Genome position (GRCh38, 1-based): chr3:38,771,410, G>C on the plus strand (C>G on the coding strand, the complement: SCN10A is on the minus strand). VCF-style: chr3-38771410-G-C. GRCh37 (hg19) VCF-style: chr3-38812901-G-C.
Other names: c.471-3C>G (NM_001293307.2, NM_001293306.2, NM_006514.2).
Identifiers: ClinVar variation 1991552 (VCV001991552.5), dbSNP rs2063998962, ClinGen allele CA1358662257.